The following is an entry in ClinVar:

NM_006885.4(ZFHX3):c.5497G>T (p.Glu1833Ter)

Genes: ZFHX3 (zinc finger homeobox 3; minus strand), ZFHX3-AS1 (ZFHX3 antisense RNA 1; plus strand). Cytogenetic location: 16q22.2.
Variant type: single nucleotide variant.
Coding change: c.5497G>T on transcript NM_006885.4 (MANE Select); coding-DNA position 5497, G replaced by T.
Protein change: p.Glu1833Ter; replaces glutamic acid 1833 with a stop codon.
Molecular consequence: nonsense.
Genome position (GRCh38, 1-based): chr16:72,797,185, C>A on the plus strand (G>T on the coding strand, the complement: ZFHX3 is on the minus strand). VCF-style: chr16-72797185-C-A. GRCh37 (hg19) VCF-style: chr16-72831084-C-A.
Other names: c.2755G>T, p.Glu919Ter (NM_001164766.2); c.5497G>T, p.Glu1833Ter (NM_001386735.1); short protein forms E1833*, E919*.
Identifiers: ClinVar variation 3473192 (VCV003473192.1).

ClinVar aggregate classification (germline): Pathogenic (1 of 4 stars; one submission).

Submission:

Ambry Genetics
Classification: Pathogenic. Last evaluated: 2024-10-18. Review status: criteria provided, single submitter. Criteria: Ambry Variant Classification Scheme 2023. Collection method: clinical testing. Allele origin: germline.
Comment: The c.5497G>T (p.E1833*) alteration, located in exon 9 (coding exon 8) of the ZFHX3 gene, consists of a G to T substitution at nucleotide position 5497. This changes the amino acid from a glutamic acid (E) to a stop codon at amino acid position 1833. This alteration is expected to result in loss of function by premature protein truncation or nonsense-mediated mRNA decay. This variant was not reported in population-based cohorts in the Genome Aggregation Database (gnomAD). Based on the available evidence, this alteration is classified as pathogenic.